The following is an entry in ClinVar:

NM_004563.4(PCK2):c.798A>C (p.Leu266=)

Genes: NRL (neural retina leucine zipper; minus strand), PCK2 (phosphoenolpyruvate carboxykinase 2, mitochondrial; plus strand). Cytogenetic location: 14q11.2.
Variant type: single nucleotide variant.
Coding change: c.798A>C on transcript NM_004563.4 (MANE Select); coding-DNA position 798, A replaced by C.
Protein change: p.Leu266=; no amino-acid change (leucine 266 retained).
Molecular consequence: synonymous variant. On other transcripts: intron variant (3).
Genome position (GRCh38, 1-based): chr14:24,099,182, A>C. VCF-style: chr14-24099182-A-C. GRCh37 (hg19) VCF-style: chr14-24568391-A-C.
Other names: c.798A>C, p.Leu266= (NM_001018073.3); c.396A>C, p.Leu132= (NM_001291556.2, NM_001308054.2); c.-28+15540T>G (NM_001354768.3, NM_001354770.2); c.-253-14437T>G (NM_006177.5).
Identifiers: ClinVar variation 3239532 (VCV003239532.19), dbSNP rs1428170754.
Genomic context (GRCh38, chr14:24,099,182, plus strand): 5'-CATCTCCTTCGGCAGCGGCTATGGTGGCAACTCCCTGCTGGGCAAGAAGTGCTTTGCCCT[A>C]CGCATCGCCTCTCGGCTGGCCCGGGATGAGGGCTGGCTGGCAGAGCACATGCTGGTGAGG-3'
Protein context (NP_004554.3, residues 256-276): NSLLGKKCFA[Leu266=]RIASRLARDE

ClinVar aggregate classification (germline): Likely benign (1 of 4 stars; one submission).

Submission:

CeGaT Center for Human Genetics Tuebingen
Classification: Likely benign. Last evaluated: 2024-05-01. Review status: criteria provided, single submitter. Criteria: CeGaT Center For Human Genetics Tuebingen Variant Classification Criteria Version 2. Collection method: clinical testing. Allele origin: germline. Affected: yes. Observed: 1 variant allele.
Comment: PCK2: PM2:Supporting, BP4, BP7